The following is an entry in ClinVar:

ClinVar aggregate classification (germline): Uncertain significance. Review status: criteria provided, multiple submitters, no conflicts (2 of 4 stars). 6 submissions from 6 submitters: Uncertain significance (5). 1 of the submissions does not count toward it. Last evaluated 2026-07-01.

Conditions:
Glycogen storage disease, type II (IOPD). Also called: CARDIOMEGALIA GLYCOGENICA DIFFUSA; GLYCOGENOSIS, GENERALIZED, CARDIAC FORM; GSD II; Glycogen storage disease type 2; Acid maltase deficiency disease; Aglucosidase alfa. Identifiers: Orphanet 365, MedGen C0017921, MONDO:0009290, OMIM 232300.

Allele frequency attached by ClinVar (database versions not stated): ExAC 0.00002; TOPMed 0.00005.
gnomAD v4.1: 54 of 1,599,712 alleles (0.0034%); highest among the groups gnomAD compares: African/African-American, 0.023%; no homozygotes.

Submissions (6):

Genomenon, Inc
Classification: Uncertain significance for Glycogen storage disease, type II. Last evaluated: 2026-07-01. Review status: criteria provided, single submitter. Criteria: Genomenon Sequence Variant Interpretation Standards - Updated. Collection method: curation. Allele origin: germline. Affected: no.
Comment: GAA p.Ala704Thr (c.2110G>A) is a missense variant that changes the amino acid at codon 704 from Alanine to Threonine. This variant has been reported in the published literature (PMID:33072983;36310651). It is absent or not present at a significant frequency in gnomAD. In silico models predict that this variant is not damaging. In conclusion, we classify GAA p.Ala704Thr (c.2110G>A) as a variant of uncertain significance.

Labcorp Genetics (formerly Invitae), Labcorp
Classification: Uncertain significance for Glycogen storage disease, type II. Last evaluated: 2024-12-16. Review status: criteria provided, single submitter. Criteria: Invitae Variant Classification Sherloc (09022015). Collection method: clinical testing. Allele origin: germline.
Comment: This sequence change replaces alanine, which is neutral and non-polar, with threonine, which is neutral and polar, at codon 704 of the GAA protein (p.Ala704Thr). The frequency data for this variant in the population databases is considered unreliable, as metrics indicate poor data quality at this position in the gnomAD database. This missense change has been observed in individual(s) with a positive newborn screening result for GAA-related disease (PMID: 36310651). ClinVar contains an entry for this variant (Variation ID: 1001630). Invitae Evidence Modeling of protein sequence and biophysical properties (such as structural, functional, and spatial information, amino acid conservation, physicochemical variation, residue mobility, and thermodynamic stability) indicates that this missense variant is not expected to disrupt GAA protein function with a negative predictive value of 95%. In summary, the available evidence is currently insufficient to determine the role of this variant in disease. Therefore, it has been classified as a Variant of Uncertain Significance.

Genome-Nilou Lab
Classification: Uncertain significance for Glycogen storage disease, type II. Last evaluated: 2021-09-05. Review status: criteria provided, single submitter. Criteria: ACMG Guidelines, 2015. Collection method: clinical testing. Allele origin: germline. Affected: no.

Fulgent Genetics
Classification: Uncertain significance for Glycogen storage disease, type II. Last evaluated: 2021-07-01. Review status: criteria provided, single submitter. Criteria: ACMG Guidelines, 2015. Collection method: clinical testing. Allele origin: unknown.

GeneDx
Classification: Uncertain significance. Last evaluated: 2020-05-11. Review status: criteria provided, single submitter. Criteria: GeneDx Variant Classification Process June 2021. Collection method: clinical testing. Allele origin: germline. Affected: yes.
Comment: Not observed at a significant frequency in large population cohorts (Lek et al., 2016); In silico analysis supports that this missense variant does not alter protein structure/function; Has not been previously published as pathogenic or benign to our knowledge

Natera, Inc.
Classification: Uncertain significance for Glycogen storage disease type II. Last evaluated: 2020-07-15. Review status: no assertion criteria provided. Collection method: clinical testing. Allele origin: germline. Not counted in ClinVar's aggregate classification.

Literature cited by the submitters: PubMed 33072983 (cited by Genomenon, Inc); PubMed 36310651 (cited by Genomenon, Inc and Labcorp Genetics (formerly Invitae), Labcorp).

NM_000152.5(GAA):c.2110G>A (p.Ala704Thr)

Gene: GAA (alpha glucosidase; plus strand). Cytogenetic location: 17q25.3.
Variant type: single nucleotide variant.
Coding change: c.2110G>A on transcript NM_000152.5 (MANE Select); coding-DNA position 2110, G replaced by A.
Protein change: p.Ala704Thr; replaces alanine 704 with threonine.
Molecular consequence: missense variant.
Genome position (GRCh38, 1-based): chr17:80,113,287, G>A. VCF-style: chr17-80113287-G-A. GRCh37 (hg19) VCF-style: chr17-78087086-G-A.
Other names: c.2110G>A, p.Ala704Thr (NM_001079803.3, NM_001079804.3); short protein forms A704T.
Identifiers: ClinVar variation 1001630 (VCV001001630.14), dbSNP rs375681364, ClinGen allele CA8815612.